The following is an entry in ClinVar:

ClinVar aggregate classification (germline): Pathogenic (1 of 4 stars; one submission).

Submission:

Labcorp Genetics (formerly Invitae), Labcorp
Classification: Pathogenic. Last evaluated: 2025-07-29. Review status: criteria provided, single submitter. Criteria: Invitae Variant Classification Sherloc (09022015). Collection method: clinical testing. Allele origin: germline.
Comment: This sequence change creates a premature translational stop signal (p.Leu90*) in the GJB2 gene. While this is not anticipated to result in nonsense mediated decay, it is expected to disrupt the last 137 amino acid(s) of the GJB2 protein. This variant is not present in population databases (gnomAD no frequency). This variant has not been reported in the literature in individuals affected with GJB2-related conditions. ClinVar contains an entry for this variant (Variation ID: 1076708). This variant disrupts a region of the GJB2 protein in which other variant(s) (p.Cys213*) have been determined to be pathogenic (PMID: 23141775). This suggests that this is a clinically significant region of the protein, and that variants that disrupt it are likely to be disease-causing. For these reasons, this variant has been classified as Pathogenic.

Literature cited by the submitters: PubMed 23141775.

NM_004004.6(GJB2):c.268del (p.Leu89_Leu90insTer)

Gene: GJB2 (gap junction protein beta 2; minus strand). Cytogenetic location: 13q12.11.
Variant type: Deletion.
Coding change: c.268del on transcript NM_004004.6 (MANE Select); coding-DNA position 268, one base deleted (C; older notation c.268delC).
Protein change: p.Leu89_Leu90insTer.
Molecular consequence: nonsense.
Genome position (GRCh38, 1-based): chr13:20,189,314, G deleted on the plus strand (C on the coding strand, the reverse complement: GJB2 is on the minus strand); the first of 2 consecutive G bases (chr13:20,189,314-20,189,315); deleting either gives the same sequence. VCF-style (leftmost placement, unchanged base first): chr13-20189313-AG-A. GRCh37 (hg19) VCF-style: chr13-20763452-AG-A.
Identifiers: ClinVar variation 1076708 (VCV001076708.9), dbSNP rs2137308116, ClinGen allele CA2499221953.